The following is an entry in ClinVar:

ClinVar aggregate classification (germline): Uncertain significance (1 of 4 stars; one submission).

Conditions:
Cardiovascular phenotype. Identifiers: MedGen CN230736.

Allele frequency attached by ClinVar (database versions not stated): gnomAD exomes below 0.00001.
gnomAD v4.1: 1 of 1,209,680 alleles (0.000083%); highest among the groups gnomAD compares: Non-Finnish European, 0.00011%; no homozygotes.

Submission:

Ambry Genetics
Classification: Uncertain significance for Cardiovascular phenotype. Last evaluated: 2020-09-28. Review status: criteria provided, single submitter. Criteria: Ambry Variant Classification Scheme 2023. Collection method: clinical testing. Allele origin: germline.
Comment: The p.D2750V variant (also known as c.8249A>T), located in coding exon 56 of the DMD gene, results from an A to T substitution at nucleotide position 8249. The aspartic acid at codon 2750 is replaced by valine, an amino acid with highly dissimilar properties. This amino acid position is well conserved in available vertebrate species. In addition, the in silico prediction for this alteration is inconclusive. Since supporting evidence is limited at this time, the clinical significance of this alteration remains unclear.

NM_004006.3(DMD):c.8249A>T (p.Asp2750Val)

Gene: DMD (dystrophin; minus strand). Cytogenetic location: Xp21.1.
Variant type: single nucleotide variant.
Coding change: c.8249A>T on transcript NM_004006.3 (MANE Select); coding-DNA position 8249, A replaced by T.
Protein change: p.Asp2750Val; replaces aspartic acid 2750 with valine.
Molecular consequence: missense variant.
Genome position (GRCh38, 1-based): chrX:31,507,422, T>A on the plus strand (A>T on the coding strand, the complement: DMD is on the minus strand). VCF-style: chrX-31507422-T-A. GRCh37 (hg19) VCF-style: chrX-31525539-T-A.
Other names: c.8225A>T, p.Asp2742Val (NM_000109.4); c.8237A>T, p.Asp2746Val (NM_004009.3); c.7880A>T, p.Asp2627Val (NM_004010.3); c.4226A>T, p.Asp1409Val (NM_004011.4); c.4217A>T, p.Asp1406Val (NM_004012.4); c.869A>T, p.Asp290Val (NM_004013.3, NM_004020.4, NM_004021.3 and 2 more transcripts); c.62A>T, p.Asp21Val (NM_004014.3); short protein forms D290V, D21V, D2627V, D2742V, D2750V, D1406V, D1409V, D2746V.
Identifiers: ClinVar variation 1762612 (VCV001762612.2), dbSNP rs2525975500, ClinGen allele CA412656382.